The following is an entry in ClinVar:

NM_000321.3(RB1):c.-156_-152del

Gene: RB1 (RB transcriptional corepressor 1; plus strand). Cytogenetic location: 13q14.2.
Variant type: Deletion.
Coding change: c.-156_-152del on transcript NM_000321.3 (MANE Select); 156 bases upstream of the start codon through 152 bases upstream of the start codon, 5 bases deleted (CGGGC; older notation c.-156_-152delCGGGC).
Molecular consequence: 5 prime UTR variant.
Genome position (GRCh38, 1-based): chr13:48,303,757-48,303,761, CGGGC deleted; deleting any 5 consecutive bases within chr13:48,303,755-48,303,761 gives the same sequence; the c. name uses the placement nearest the transcript's 3' end. VCF-style (leftmost placement, unchanged base first): chr13-48303754-TGCCGG-T. GRCh37 (hg19) VCF-style: chr13-48877890-TGCCGG-T.
Other names: c.-156_-152del (NM_001407165.1, NM_001407166.1, NM_001407167.1).
Identifiers: ClinVar variation 3702660 (VCV003702660.2).
Genomic context (GRCh38, chr13:48,303,754, plus strand): 5'-CGCGGACGTGACGCCGCGGGCGGAAGTGACGTTTTCCCGCGGTTGGACGCGGCGCTCAGT[TGCCGG>T]GCGGGGGAGGGCGCGTCCGGTTTTTCTCAGGGGACGTTGAAATTATTTTTGTAACGGGAG-3'

ClinVar aggregate classification (germline): Uncertain significance (1 of 4 stars; one submission).

Conditions:
Retinoblastoma (RB1). Also called: RETINOBLASTOMA, SOMATIC. Identifiers: Orphanet 790, MedGen C0035335, MeSH D012175, MONDO:0008380, OMIM 180200, HP:0009919. Disease mechanism: loss of function. Inheritance: Both sporadic and heritable forms are tested..

Submission:

Labcorp Genetics (formerly Invitae), Labcorp
Classification: Uncertain significance for Retinoblastoma. Last evaluated: 2024-08-13. Review status: criteria provided, single submitter. Criteria: Invitae Variant Classification Sherloc (09022015). Collection method: clinical testing. Allele origin: germline.
Comment: This variant occurs in a non-coding region of the RB1 gene. It does not change the encoded amino acid sequence of the RB1 protein. This variant is not present in population databases (gnomAD no frequency). This variant has not been reported in the literature in individuals affected with RB1-related conditions. Experimental studies and prediction algorithms are not available or were not evaluated, and the functional significance of this variant is currently unknown. In summary, the available evidence is currently insufficient to determine the role of this variant in disease. Therefore, it has been classified as a Variant of Uncertain Significance.